The following is an entry in ClinVar:

ClinVar aggregate classification (germline): Likely pathogenic (1 of 4 stars; one submission).

Conditions:
Bloom syndrome (BLM). Also called: Bloom-Torre-Machacek syndrome. Identifiers: Orphanet 125, MedGen C0005859, MONDO:0008876, OMIM 210900.

Submission:

Labcorp Genetics (formerly Invitae), Labcorp
Classification: Likely pathogenic for Bloom syndrome. Last evaluated: 2021-10-14. Review status: criteria provided, single submitter. Criteria: Invitae Variant Classification Sherloc (09022015). Collection method: clinical testing. Allele origin: germline.
Comment: This variant is a gross deletion of the genomic region encompassing exon(s) 18-22 of the BLM gene. The 5' boundary is likely confined to intron 17. The 3' end of this event is unknown as it extends through the termination codon beyond the assayed region for this gene and may encompass additional genes. While this deletion is not anticipated to lead to nonsense mediated decay, it is expected to alter mRNA translation or result in a truncated protein product. This variant has not been reported in the literature in individuals affected with BLM-related conditions. This deletion variant affects amino acid residues 1334-1349, which constitute the nuclear localization signal (NLS) of the BLM protein (PMID: 9388480) and are required for BLM interaction with topoisomerase I (TOP1) (PMID: 27657136). These residues have been shown in experimental studies to be critical for BLM localization to the nucleus (PMID: 9388480, 10569803, 27657136) and TOP1-mediated RNA:DNA unwinding (PMID: 27657136). In summary, the currently available evidence indicates that the variant is pathogenic, but additional data are needed to prove that conclusively. Therefore, this variant has been classified as Likely Pathogenic.

Literature cited by the submitters: PubMed 9388480; PubMed 27657136; PubMed 10569803.

NC_000015.9:g.(?_91346741)_(91358519_?)del

Gene: BLM (BLM RecQ like helicase; plus strand). Cytogenetic location: 15q26.1.
Variant type: Deletion.
Identifiers: ClinVar variation 2422262 (VCV002422262.4).